The following is an entry in ClinVar:

NM_032385.5(FAXDC2):c.915del (p.Thr306fs)

Gene: FAXDC2 (fatty acid hydroxylase domain containing 2; minus strand). Cytogenetic location: 5q33.2.
Variant type: Deletion.
Coding change: c.915del on transcript NM_032385.5 (MANE Select); coding-DNA position 915, one base deleted (G; older notation c.915delG).
Protein change: p.Thr306fs; shifts the reading frame from threonine 306.
Molecular consequence: frameshift variant.
Genome position (GRCh38, 1-based): chr5:154,820,403, C deleted on the plus strand (G on the coding strand, the reverse complement: FAXDC2 is on the minus strand). VCF-style (leftmost placement, unchanged base first): chr5-154820402-TC-T. GRCh37 (hg19) VCF-style: chr5-154199962-TC-T.
Other names: short protein forms T306fs.
Identifiers: ClinVar variation 3338197 (VCV003338197.2).

ClinVar aggregate classification (germline): Uncertain significance (0 of 4 stars; one submission).

Conditions:
Autism (AUTS). Also called: Autistic disorder of childhood onset; Autistic disorder. Identifiers: MedGen C0004352, MeSH D001321, MONDO:0005260, OMIM 209850, HP:0000717.

Submission:

Centre for Addiction & Mental Health
Classification: Uncertain significance for Autism. Review status: no assertion criteria provided. Collection method: research. Allele origin: biparental. Affected: yes. Observed: 1 homozygote. Segregation with disease observed.
Comment: Gene not previously associated with disease; independent supportng evidence needed